The following is an entry in ClinVar:

NM_000218.3(KCNQ1):c.165_187del (p.Gly57fs)

Gene: KCNQ1 (potassium voltage-gated channel subfamily Q member 1; plus strand). Cytogenetic location: 11p15.5.
Variant type: Deletion.
Coding change: c.165_187del on transcript NM_000218.3 (MANE Select); coding-DNA positions 165 to 187, 23 bases deleted (GCCCGGCGCCCCAGGTCCCGCGC).
Protein change: p.Gly57fs; shifts the reading frame from glycine 57.
Molecular consequence: frameshift variant.
Genome position (GRCh38, 1-based): chr11:2,445,263-2,445,285, GCCCGGCGCCCCAGGTCCCGCGC deleted; deleting any 23 consecutive bases within chr11:2,445,260-2,445,285 gives the same sequence; the c. name uses the placement nearest the transcript's 3' end. VCF-style (leftmost placement, unchanged base first): chr11-2445259-TCGCGCCCGGCGCCCCAGGTCCCG-T. GRCh37 (hg19) VCF-style: chr11-2466489-TCGCGCCCGGCGCCCCAGGTCCCG-T.
Other names: c.165_187delGCCCGGCGCCCCAGGTCCCGCGC (NM_000218.2); short protein forms G57fs.
Identifiers: ClinVar variation 200889 (VCV000200889.46), dbSNP rs794728563, ClinGen allele CA006108.

ClinVar aggregate classification (germline): Pathogenic. Review status: criteria provided, multiple submitters, no conflicts (2 of 4 stars). 2 submissions from 2 submitters: Pathogenic (2). Last evaluated 2025-04-28.

Conditions:
Cardiac arrhythmia. Also called: Arrhythmia; Cardiac rhythm disease. Identifiers: MedGen C0003811, MONDO:0007263, HP:0011675.
Long QT syndrome (LQTS). Identifiers: MedGen C0023976, MeSH D008133, MONDO:0002442. Disease mechanism: loss of function. Inheritance: Various modes of inheritance.

Submissions (2):

Labcorp Genetics (formerly Invitae), Labcorp
Classification: Pathogenic for Long QT syndrome. Last evaluated: 2025-04-28. Review status: criteria provided, single submitter. Criteria: Invitae Variant Classification Sherloc (09022015). Collection method: clinical testing. Allele origin: germline.
Comment: This sequence change creates a premature translational stop signal (p.Gly57Cysfs*220) in the KCNQ1 gene. It is expected to result in an absent or disrupted protein product. Loss-of-function variants in KCNQ1 are known to be pathogenic (PMID: 9323054, 19862833). The frequency data for this variant in the population databases is considered unreliable, as metrics indicate insufficient coverage at this position in the gnomAD database. This premature translational stop signal has been observed in individual(s) with Jervell and Lange Nielsen syndrome (PMID: 27871843). ClinVar contains an entry for this variant (Variation ID: 200889). For these reasons, this variant has been classified as Pathogenic.

GeneDx
Classification: Pathogenic for Cardiac arrhythmia. Last evaluated: 2012-09-27. Review status: criteria provided, single submitter. Criteria: GeneDx Variant Classification (06012015). Collection method: clinical testing. Allele origin: germline. Affected: yes.
Comment: c.165_187delGCCCGGCGCCCCAGGTCCCGCGC: p.Gly57CysfsX220 (G57CfsX220) in exon 1 of the KCNQ1 gene (NM_000218.2). The normal sequence with the bases that are deleted in braces is: TCGC{del23}CCCC. Although the c.165_187del mutation in the KCNQ1 gene has not been reported to our knowledge, this mutation causes a shift in reading frame starting at codon Glycine 57, changing it to a Cysteine, and creating a premature stop codon at position 220 of the new reading frame, denoted p.Gly57CysfsX220. This mutation is expected to result in either an abnormal, truncated protein product or loss of protein from this allele through nonsense-mediated mRNA decay. Other frameshift mutations in the KCNQ1 gene have been reported in association with LQTS. In summary, c.165_187del in the KCNQ1 gene is interpreted as a disease-causing mutation. The variant is found in LQT panel(s).

Literature cited by the submitters: PubMed 9323054 (cited by Labcorp Genetics (formerly Invitae), Labcorp); PubMed 19862833 (cited by Labcorp Genetics (formerly Invitae), Labcorp); PubMed 27871843 (cited by Labcorp Genetics (formerly Invitae), Labcorp).